The following is an entry in ClinVar:

NM_001077350.3(NPRL3):c.713C>T (p.Ala238Val)

Genes: HBA-LCR (alpha-globin locus control region; plus strand), NPRL3 (NPR3 like, GATOR1 complex subunit; minus strand). Cytogenetic location: 16p13.3.
Variant type: single nucleotide variant.
Coding change: c.713C>T on transcript NM_001077350.3 (MANE Select); coding-DNA position 713, C replaced by T.
Protein change: p.Ala238Val; replaces alanine 238 with valine.
Molecular consequence: missense variant.
Genome position (GRCh38, 1-based): chr16:100,426, G>A on the plus strand (C>T on the coding strand, the complement: NPRL3 is on the minus strand). VCF-style: chr16-100426-G-A. GRCh37 (hg19) VCF-style: chr16-150424-G-A.
Other names: c.713C>T (NM_001077350.2); c.176C>T, p.Ala59Val (NM_001039476.3); c.479C>T, p.Ala160Val (NM_001243247.2); c.638C>T, p.Ala213Val (NM_001243248.2, NM_001243249.2); short protein forms A160V, A213V, A238V, A59V.
Identifiers: ClinVar variation 1055574 (VCV001055574.10), dbSNP rs761366554, ClinGen allele CA7769574.
Genomic context (GRCh38, chr16:100,426, plus strand): 5'-ACTTACCGGATGGCTTTCAGGCTCCGTTCGATGGCCTCTGGGGGGATCAGACTGGAGGCC[G>A]CATAGTGGATCTTGTGGGGCAGGCAGAAGCTCACCTCCAGCCAGCTGTTGATGTGAAGCC-3'
Protein context (NP_001070818.1, residues 228-248): SFCLPHKIHY[Ala238Val]ASSLIPPEAI

ClinVar aggregate classification (germline): Uncertain significance. Review status: criteria provided, multiple submitters, no conflicts (2 of 4 stars). 2 submissions from 2 submitters: Uncertain significance (2). Last evaluated 2024-05-15.

Conditions:
Epilepsy, familial focal, with variable foci 3 (FFEVF3). Identifiers: MedGen C4310708, MONDO:0014925, OMIM 617118.
Inborn genetic diseases. Identifiers: MedGen C0950123, MeSH D030342.

Allele frequency attached by ClinVar (database versions not stated): gnomAD 0.00001; gnomAD exomes 0.00001 and 0.00003; TOPMed 0.00003; ExAC 0.00006.

Submissions (2):

Labcorp Genetics (formerly Invitae), Labcorp
Classification: Uncertain significance for Epilepsy, familial focal, with variable foci 3. Last evaluated: 2024-05-15. Review status: criteria provided, single submitter. Criteria: Invitae Variant Classification Sherloc (09022015). Collection method: clinical testing. Allele origin: germline.
Comment: This sequence change replaces alanine, which is neutral and non-polar, with valine, which is neutral and non-polar, at codon 238 of the NPRL3 protein (p.Ala238Val). The frequency data for this variant in the population databases is considered unreliable, as metrics indicate poor data quality at this position in the gnomAD database. This variant has not been reported in the literature in individuals affected with NPRL3-related conditions. ClinVar contains an entry for this variant (Variation ID: 1055574). Advanced modeling of protein sequence and biophysical properties (such as structural, functional, and spatial information, amino acid conservation, physicochemical variation, residue mobility, and thermodynamic stability) performed at Invitae indicates that this missense variant is not expected to disrupt NPRL3 protein function with a negative predictive value of 80%. In summary, the available evidence is currently insufficient to determine the role of this variant in disease. Therefore, it has been classified as a Variant of Uncertain Significance.

Ambry Genetics
Classification: Uncertain significance for Inborn genetic diseases. Last evaluated: 2024-04-15. Review status: criteria provided, single submitter. Criteria: Ambry Variant Classification Scheme 2023. Collection method: clinical testing. Allele origin: germline.